The following is an entry in ClinVar:

ClinVar aggregate classification (germline): Uncertain significance (1 of 4 stars; one submission).

Conditions:
Alstrom syndrome (ALMS). Identifiers: Orphanet 64, MedGen C0268425, MONDO:0008763, OMIM 203800.

gnomAD v4.1: 1 of 1,614,116 alleles (0.000062%); highest among the groups gnomAD compares: Non-Finnish European, 0.000085%; no homozygotes.

Submission:

Labcorp Genetics (formerly Invitae), Labcorp
Classification: Uncertain significance for Alstrom syndrome. Last evaluated: 2025-12-22. Review status: criteria provided, single submitter. Criteria: Invitae Variant Classification Sherloc (09022015). Collection method: clinical testing. Allele origin: germline.
Comment: This sequence change replaces aspartic acid, which is acidic and polar, with glycine, which is neutral and non-polar, at codon 341 of the ALMS1 protein (p.Asp341Gly). This variant is not present in population databases (gnomAD no frequency). This variant has not been reported in the literature in individuals affected with ALMS1-related conditions. Experimental studies and prediction algorithms are not available or were not evaluated, and the functional significance of this variant is currently unknown. In summary, the available evidence is currently insufficient to determine the role of this variant in disease. Therefore, it has been classified as a Variant of Uncertain Significance.

NM_001378454.1(ALMS1):c.1019A>G (p.Asp340Gly)

Gene: ALMS1 (ALMS1 centrosome and basal body associated protein; plus strand). Cytogenetic location: 2p13.1.
Variant type: single nucleotide variant.
Coding change: c.1019A>G on transcript NM_001378454.1 (MANE Select); coding-DNA position 1019, A replaced by G.
Protein change: p.Asp340Gly; replaces aspartic acid 340 with glycine.
Molecular consequence: missense variant.
Genome position (GRCh38, 1-based): chr2:73,424,684, A>G. VCF-style: chr2-73424684-A-G. GRCh37 (hg19) VCF-style: chr2-73651812-A-G.
Other names: c.1022A>G, p.Asp341Gly (NM_015120.4); short protein forms D340G, D341G.
Identifiers: ClinVar variation 4737301 (VCV004737301.1).